The following is an entry in ClinVar:

ClinVar aggregate classification (germline): Likely benign (1 of 4 stars; one submission).

Allele frequency attached by ClinVar (database versions not stated): gnomAD 0.00053; TOPMed 0.00054; ESP Exome Variant Server 0.00062; ExAC 0.00066.
gnomAD v4.1: 795 of 1,614,080 alleles (0.049%); highest among the groups gnomAD compares: Non-Finnish European, 0.0091%; 5 homozygotes.

Submission:

CeGaT Center for Human Genetics Tuebingen
Classification: Likely benign. Last evaluated: 2023-02-01. Review status: criteria provided, single submitter. Criteria: CeGaT Center For Human Genetics Tuebingen Variant Classification Criteria Version 2. Collection method: clinical testing. Allele origin: germline. Affected: yes. Observed: 1 variant allele.
Comment: PRSS38: BP4, BP7

NM_183062.3(PRSS38):c.768C>T (p.Ser256=)

Gene: PRSS38 (serine protease 38; plus strand). Cytogenetic location: 1q42.13.
Variant type: single nucleotide variant.
Coding change: c.768C>T on transcript NM_183062.3 (MANE Select); coding-DNA position 768, C replaced by T.
Protein change: p.Ser256=; no amino-acid change (serine 256 retained).
Molecular consequence: synonymous variant. On other transcripts: 3 prime UTR variant (1).
Genome position (GRCh38, 1-based): chr1:227,845,995, C>T. VCF-style: chr1-227845995-C-T. GRCh37 (hg19) VCF-style: chr1-228033696-C-T.
Other names: c.*13C>T (NM_001374657.2).
Identifiers: ClinVar variation 2639981 (VCV002639981.24), dbSNP rs150287260, ClinGen allele CA1428990.